The following is an entry in ClinVar:

NM_000152.5(GAA):c.2768T>A (p.Val923Asp)

Gene: GAA (alpha glucosidase; plus strand). Cytogenetic location: 17q25.3.
Variant type: single nucleotide variant.
Coding change: c.2768T>A on transcript NM_000152.5 (MANE Select); coding-DNA position 2768, T replaced by A.
Protein change: p.Val923Asp; replaces valine 923 with aspartic acid.
Molecular consequence: missense variant.
Genome position (GRCh38, 1-based): chr17:80,118,774, T>A. VCF-style: chr17-80118774-T-A. GRCh37 (hg19) VCF-style: chr17-78092573-T-A.
Other names: c.2768T>A, p.Val923Asp (NM_001079803.3, NM_001079804.3, NM_001406741.1 and 1 more transcripts); short protein forms V923D.
Identifiers: ClinVar variation 3852392 (VCV003852392.1).

ClinVar aggregate classification (germline): Uncertain significance (1 of 4 stars; one submission).

Conditions:
Cardiovascular phenotype. Identifiers: MedGen CN230736.

Submission:

Ambry Genetics
Classification: Uncertain significance for Cardiovascular phenotype. Last evaluated: 2025-01-27. Review status: criteria provided, single submitter. Criteria: Ambry Variant Classification Scheme 2023. Collection method: clinical testing. Allele origin: germline.
Comment: The p.V923D variant (also known as c.2768T>A), located in coding exon 18 of the GAA gene, results from a T to A substitution at nucleotide position 2768. The valine at codon 923 is replaced by aspartic acid, an amino acid with highly dissimilar properties. This amino acid position is conserved. In addition, the in silico prediction for this alteration is inconclusive. Based on the available evidence, the clinical significance of this variant remains unclear.